The following is an entry in ClinVar:

ClinVar aggregate classification (germline): Uncertain significance (1 of 4 stars; one submission).

Submission:

GeneDx
Classification: Uncertain significance. Last evaluated: 2023-03-15. Review status: criteria provided, single submitter. Criteria: GeneDx Variant Classification Process June 2021. Collection method: clinical testing. Allele origin: germline. Affected: yes.
Comment: Not observed at significant frequency in large population cohorts (gnomAD); In silico analysis supports that this missense variant has a deleterious effect on protein structure/function; Has not been previously published as pathogenic or benign to our knowledge

NM_006618.5(KDM5B):c.1462T>A (p.Tyr488Asn)

Gene: KDM5B (lysine demethylase 5B; minus strand). Cytogenetic location: 1q32.1.
Variant type: single nucleotide variant.
Coding change: c.1462T>A on transcript NM_006618.5 (MANE Select); coding-DNA position 1462, T replaced by A.
Protein change: p.Tyr488Asn; replaces tyrosine 488 with asparagine.
Molecular consequence: missense variant.
Genome position (GRCh38, 1-based): chr1:202,755,347, A>T on the plus strand (T>A on the coding strand, the complement: KDM5B is on the minus strand). VCF-style: chr1-202755347-A-T. GRCh37 (hg19) VCF-style: chr1-202724475-A-T.
Other names: c.1570T>A, p.Tyr524Asn (NM_001314042.2); c.1327T>A, p.Tyr443Asn (NM_001347591.2); c.1447T>A, p.Tyr483Asn (NM_001399817.1); short protein forms Y443N, Y483N, Y488N, Y524N.
Identifiers: ClinVar variation 2579816 (VCV002579816.1), dbSNP rs2527536289, ClinGen allele CA344270589.